The following is an entry in ClinVar:

NM_000540.3(RYR1):c.605A>G (p.Asn202Ser)

Gene: RYR1 (ryanodine receptor 1; plus strand). Cytogenetic location: 19q13.2.
Variant type: single nucleotide variant.
Coding change: c.605A>G on transcript NM_000540.3 (MANE Select); coding-DNA position 605, A replaced by G.
Protein change: p.Asn202Ser; replaces asparagine 202 with serine.
Molecular consequence: missense variant.
Genome position (GRCh38, 1-based): chr19:38,444,651, A>G. VCF-style: chr19-38444651-A-G. GRCh37 (hg19) VCF-style: chr19-38935291-A-G.
Other names: c.605A>G, p.Asn202Ser (NM_001042723.2); short protein forms N202S.
Identifiers: ClinVar variation 3074522 (VCV003074522.1), dbSNP rs2513977806, ClinGen allele CA405678463.

ClinVar aggregate classification (germline): Uncertain significance (1 of 4 stars; one submission).

Conditions:
Malignant hyperthermia, susceptibility to, 1 (MHS1). Also called: Anesthesia related hyperthermia; Malignant hyperpyrexia; Fulminating hyperpyrexia; Pharmacogenic myopathy; RYR1-Related Malignant Hyperthermia Susceptibility; Malignant hyperthermia suceptibility 1. Identifiers: Orphanet 423, MedGen C2930980, MONDO:0007783, OMIM 145600.

Submission:

All of Us Research Program, National Institutes of Health
Classification: Uncertain significance for Malignant hyperthermia, susceptibility to, 1. Last evaluated: 2023-11-20. Review status: criteria provided, single submitter. Criteria: ACMG Guidelines, 2015. Collection method: clinical testing. Allele origin: germline. Inheritance: Autosomal dominant inheritance. Observed: 1 variant allele, 1 heterozygote.
Comment: This missense variant replaces asparagine with serine at codon 202 of the RYR1 protein. Computational prediction is inconclusive regarding the impact of this variant on protein structure and function (internally defined REVEL score threshold 0.5 < inconclusive < 0.7, PMID: 27666373). To our knowledge, functional studies have not been reported for this variant. This variant has not been reported in individuals affected with RYR1-related disorders in the literature. This variant has not been identified in the general population by the Genome Aggregation Database (gnomAD). The available evidence is insufficient to determine the role of this variant in disease conclusively. Therefore, this variant is classified as a Variant of Uncertain Significance.

This study involves interpretation of variants in research participants for the purpose of population health screening. Participant phenotype was not available at the time of variant classification. Additional details can be found in publication PMID: 35346344, PMCID: PMC8962531